The following is an entry in ClinVar:

NM_001003800.2(BICD2):c.1989C>T (p.Pro663=)

Gene: BICD2 (BICD cargo adaptor 2; minus strand). Cytogenetic location: 9q22.31.
Variant type: single nucleotide variant.
Coding change: c.1989C>T on transcript NM_001003800.2 (MANE Select); coding-DNA position 1989, C replaced by T.
Protein change: p.Pro663=; no amino-acid change (proline 663 retained).
Molecular consequence: synonymous variant.
Genome position (GRCh38, 1-based): chr9:92,718,656, G>A on the plus strand (C>T on the coding strand, the complement: BICD2 is on the minus strand). VCF-style: chr9-92718656-G-A. GRCh37 (hg19) VCF-style: chr9-95480938-G-A.
Other names: c.1989C>T, p.Pro663= (NM_015250.4).
Identifiers: ClinVar variation 706682 (VCV000706682.18), dbSNP rs377116071, ClinGen allele CA5126435.

ClinVar aggregate classification (germline): Likely benign. Review status: criteria provided, multiple submitters, no conflicts (2 of 4 stars). 4 submissions from 4 submitters: Likely benign (3). 1 of the submissions does not count toward it. Last evaluated 2026-02-01.

Conditions:
Autosomal dominant childhood-onset proximal spinal muscular atrophy with contractures (SMALED2A). Also called: SPINAL MUSCULAR ATROPHY, LOWER EXTREMITY-PREDOMINANT, 2A, CHILDHOOD ONSET, AUTOSOMAL DOMINANT; Spinal muscular atrophy, lower extremity-predominant, 2A, autosomal dominant. Identifiers: Orphanet 363447, Orphanet 363454, MedGen C4747715, MONDO:0014121, OMIM 615290.
BICD2-related disorder. Also called: BICD2-related condition.

Allele frequency attached by ClinVar (database versions not stated): gnomAD 0.00003; gnomAD exomes 0.00004 and 0.00009; TOPMed 0.00004; ESP Exome Variant Server 0.00008; ExAC 0.00009.
gnomAD v4.1: 66 of 1,613,894 alleles (0.0041%); highest among the groups gnomAD compares: South Asian, 0.015%; no homozygotes.

Submissions (4):

CeGaT Center for Human Genetics Tuebingen
Classification: Likely benign. Last evaluated: 2026-02-01. Review status: criteria provided, single submitter. Criteria: CeGaT Center For Human Genetics Tuebingen Variant Classification Criteria Version 2. Collection method: clinical testing. Allele origin: germline. Affected: yes. Observed: 1 variant allele.
Comment: BICD2: BP4, BP7

Labcorp Genetics (formerly Invitae), Labcorp
Classification: Likely benign for Autosomal dominant childhood-onset proximal spinal muscular atrophy with contractures. Last evaluated: 2025-08-19. Review status: criteria provided, single submitter. Criteria: Invitae Variant Classification Sherloc (09022015). Collection method: clinical testing. Allele origin: germline.

ARUP Laboratories, Molecular Genetics and Genomics, ARUP Laboratories
Classification: Likely benign. Last evaluated: 2024-03-01. Review status: criteria provided, single submitter. Criteria: ARUP Molecular Germline Variant Investigation Process 2024. Collection method: clinical testing. Allele origin: germline.

PreventionGenetics, part of Exact Sciences
Classification: Likely benign for BICD2-related condition. Last evaluated: 2019-04-05. Review status: no assertion criteria provided. Collection method: clinical testing. Allele origin: germline. Not counted in ClinVar's aggregate classification.
Comment: This variant is classified as likely benign based on ACMG/AMP sequence variant interpretation guidelines (Richards et al. 2015 PMID: 25741868, with internal and published modifications).